The following is an entry in ClinVar:

ClinVar aggregate classification (germline): Uncertain significance (1 of 4 stars; one submission).

Allele frequency attached by ClinVar (database versions not stated): gnomAD 0.00001; gnomAD exomes 0.00001; TOPMed 0.00001.
gnomAD v4.1: 18 of 1,607,408 alleles (0.0011%); highest among the groups gnomAD compares: Admixed American, 0.0051%; no homozygotes.

Submission:

Labcorp Genetics (formerly Invitae), Labcorp
Classification: Uncertain significance. Last evaluated: 2022-10-19. Review status: criteria provided, single submitter. Criteria: Invitae Variant Classification Sherloc (09022015). Collection method: clinical testing. Allele origin: germline.
Comment: This sequence change replaces asparagine, which is neutral and polar, with serine, which is neutral and polar, at codon 671 of the ERBIN protein (p.Asn671Ser). This variant is present in population databases (no rsID available, gnomAD 0.003%). This variant has not been reported in the literature in individuals affected with ERBIN-related conditions. Algorithms developed to predict the effect of missense changes on protein structure and function are either unavailable or do not agree on the potential impact of this missense change (SIFT: "Tolerated"; PolyPhen-2: "Possibly Damaging"; Align-GVGD: "Class C0"). In summary, the available evidence is currently insufficient to determine the role of this variant in disease. Therefore, it has been classified as a Variant of Uncertain Significance.

NM_001253697.2(ERBIN):c.2012A>G (p.Asn671Ser)

Gene: ERBIN (erbb2 interacting protein; plus strand). Cytogenetic location: 5q12.3.
Variant type: single nucleotide variant.
Coding change: c.2012A>G on transcript NM_001253697.2 (MANE Select); coding-DNA position 2012, A replaced by G.
Protein change: p.Asn671Ser; replaces asparagine 671 with serine.
Molecular consequence: missense variant.
Genome position (GRCh38, 1-based): chr5:66,050,891, A>G. VCF-style: chr5-66050891-A-G. GRCh37 (hg19) VCF-style: chr5-65346719-A-G.
Other names: c.2012A>G, p.Asn671Ser (NM_001006600.3, NM_001253698.2, NM_001253699.2 and 1 more transcripts); c.2000A>G, p.Asn667Ser (NM_001253701.2); short protein forms N671S, N667S.
Identifiers: ClinVar variation 2714829 (VCV002714829.3), dbSNP rs1194233499, ClinGen allele CA359863937.
Genomic context (GRCh38, chr5:66,050,891, plus strand): 5'-GCAATCAGAATAACAGCAATTGTTCTTCTCCATCTCGGATGTCTGATTCAGTTTCTCTTA[A>G]TACTGATAGTAGTCAAGACACCTCACTCTGCTCTCCAGTGAAACAAACTCATATTGATAT-3'
Protein context (NP_001240626.1, residues 661-681): PSRMSDSVSL[Asn671Ser]TDSSQDTSLC